The following is an entry in ClinVar:

ClinVar aggregate classification (germline): Uncertain significance. Review status: criteria provided, multiple submitters, no conflicts (2 of 4 stars). 2 submissions from 2 submitters: Uncertain significance (2). Last evaluated 2025-09-28.

Submissions (2):

Labcorp Genetics (formerly Invitae), Labcorp
Classification: Uncertain significance. Last evaluated: 2025-09-28. Review status: criteria provided, single submitter. Criteria: Invitae Variant Classification Sherloc (09022015). Collection method: clinical testing. Allele origin: germline.
Comment: This sequence change replaces glutamine, which is neutral and polar, with arginine, which is basic and polar, at codon 382 of the FBLN5 protein (p.Gln382Arg). This variant is not present in population databases (gnomAD no frequency). This variant has not been reported in the literature in individuals affected with FBLN5-related conditions. ClinVar contains an entry for this variant (Variation ID: 3623373). Invitae Evidence Modeling of protein sequence and biophysical properties (such as structural, functional, and spatial information, amino acid conservation, physicochemical variation, residue mobility, and thermodynamic stability) indicates that this missense variant is not expected to disrupt FBLN5 protein function with a negative predictive value of 80%. In summary, the available evidence is currently insufficient to determine the role of this variant in disease. Therefore, it has been classified as a Variant of Uncertain Significance.

Blueprint Genetics
Classification: Uncertain significance. Last evaluated: 2023-10-25. Review status: criteria provided, single submitter. Criteria: ACMG Guidelines, 2015. Collection method: clinical testing. Allele origin: germline.

NM_006329.4(FBLN5):c.1145A>G (p.Gln382Arg)

Gene: FBLN5 (fibulin 5; minus strand). Cytogenetic location: 14q32.12.
Variant type: single nucleotide variant.
Coding change: c.1145A>G on transcript NM_006329.4 (MANE Select); coding-DNA position 1145, A replaced by G.
Protein change: p.Gln382Arg; replaces glutamine 382 with arginine.
Molecular consequence: missense variant.
Genome position (GRCh38, 1-based): chr14:91,877,527, T>C on the plus strand (A>G on the coding strand, the complement: FBLN5 is on the minus strand). VCF-style: chr14-91877527-T-C. GRCh37 (hg19) VCF-style: chr14-92343871-T-C.
Other names: c.1268A>G, p.Gln423Arg (NM_001384158.1); c.1196A>G, p.Gln399Arg (NM_001384159.1); c.1145A>G, p.Gln382Arg (NM_001384160.1); c.977A>G, p.Gln326Arg (NM_001384161.1, NM_001384162.1); short protein forms Q326R, Q382R, Q399R, Q423R.
Identifiers: ClinVar variation 3623373 (VCV003623373.3).